The following is an entry in ClinVar:

ClinVar aggregate classification (germline): Uncertain significance. Review status: criteria provided, multiple submitters, no conflicts (2 of 4 stars). 2 submissions from 2 submitters: Uncertain significance (2). Last evaluated 2025-11-30.

Conditions:
Lethal congenital glycogen storage disease of heart. Also called: PHOSPHORYLASE KINASE DEFICIENCY OF HEART; GLYCOGEN STORAGE DISEASE OF HEART. Identifiers: Orphanet 439854, MedGen C1849813, MONDO:0009867, OMIM 261740.
Cardiomyopathy (CMYO). Also called: Cardiomyopathies. Identifiers: Orphanet 167848, MedGen C0878544, MONDO:0004994, HP:0001638. Inheritance: Various modes of inheritance.

gnomAD v4.1: 4 of 1,612,008 alleles (0.00025%); highest among the groups gnomAD compares: Middle Eastern, 0.017%; no homozygotes.

Submissions (2):

Labcorp Genetics (formerly Invitae), Labcorp
Classification: Uncertain significance for Lethal congenital glycogen storage disease of heart. Last evaluated: 2025-11-30. Review status: criteria provided, single submitter. Criteria: Invitae Variant Classification Sherloc (09022015). Collection method: clinical testing. Allele origin: germline.
Comment: This sequence change replaces glycine, which is neutral and non-polar, with valine, which is neutral and non-polar, at codon 75 of the PRKAG2 protein (p.Gly75Val). The frequency data for this variant in the population databases is considered unreliable, as metrics indicate poor data quality at this position in the gnomAD database. This variant has not been reported in the literature in individuals affected with PRKAG2-related conditions. ClinVar contains an entry for this variant (Variation ID: 1171062). Invitae Evidence Modeling of protein sequence and biophysical properties (such as structural, functional, and spatial information, amino acid conservation, physicochemical variation, residue mobility, and thermodynamic stability) has been performed for this missense variant. However, the output from this modeling did not meet the statistical confidence thresholds required to predict the impact of this variant on PRKAG2 protein function. In summary, the available evidence is currently insufficient to determine the role of this variant in disease. Therefore, it has been classified as a Variant of Uncertain Significance.

Color Diagnostics, LLC DBA Color Health
Classification: Uncertain significance for Cardiomyopathy. Last evaluated: 2020-07-21. Review status: criteria provided, single submitter. Criteria: ACMG Guidelines, 2015. Collection method: clinical testing. Allele origin: germline.
Comment: This missense variant replaces glycine with valine at codon 75 of the PRKAG2 protein. Computational prediction suggests that this variant may not impact protein structure and function (internally defined REVEL score threshold <= 0.5, PMID: 27666373). To our knowledge, functional studies have not been reported for this variant. This variant has not been reported in individuals affected with cardiovascular disorders in the literature. This variant has been identified in 1/241710 chromosomes in the general population by the Genome Aggregation Database (gnomAD). The available evidence is insufficient to determine the role of this variant in disease conclusively. Therefore, this variant is classified as a Variant of Uncertain Significance.

NM_016203.4(PRKAG2):c.224G>T (p.Gly75Val)

Gene: PRKAG2 (protein kinase AMP-activated non-catalytic subunit gamma 2; minus strand). Cytogenetic location: 7q36.1.
Variant type: single nucleotide variant.
Coding change: c.224G>T on transcript NM_016203.4 (MANE Select); coding-DNA position 224, G replaced by T.
Protein change: p.Gly75Val; replaces glycine 75 with valine.
Molecular consequence: missense variant.
Genome position (GRCh38, 1-based): chr7:151,781,394, C>A on the plus strand (G>T on the coding strand, the complement: PRKAG2 is on the minus strand). VCF-style: chr7-151781394-C-A. GRCh37 (hg19) VCF-style: chr7-151478480-C-A.
Other names: c.92G>T, p.Gly31Val (NM_001040633.2); short protein forms G31V, G75V.
Identifiers: ClinVar variation 1171062 (VCV001171062.3), dbSNP rs199963585, ClinGen allele CA056516.
Genomic context (GRCh38, chr7:151,781,394, plus strand): 5'-GGCCTCACAGGTGCAGACATGGGGCTGGAGGGCCGGGGCTGGGGGCCTCTGGAGAAGAAC[C>A]CTTTGGAGGGGCTGCCCGGGCCGAAGGGGCTGTCCACCTGCAGAAAAACAGACGAATGGA-3'
Protein context (NP_057287.2, residues 65-85): SPFGPGSPSK[Gly75Val]FFSRGPQPRP